The following is an entry in ClinVar:

ClinVar aggregate classification (germline): Likely pathogenic (1 of 4 stars; one submission).

Conditions:
Bardet-Biedl syndrome 2 (BBS2). Identifiers: Orphanet 110, MedGen C2936863, MONDO:0014432, OMIM 615981.

Submission:

Myriad Genetics, Inc.
Classification: Likely pathogenic for Bardet-Biedl syndrome 2. Last evaluated: 2022-03-30. Review status: criteria provided, single submitter. Criteria: Myriad Women's Health Autosomal Recessive and X-Linked Classification Criteria (2021). Collection method: clinical testing. Allele origin: unknown.
Comment: NM_031885.3(BBS2):c.491_501del11(N164Ifs*3) is expected to be pathogenic in the context of Bardet-Biedl syndrome, BBS2-related. This variant is predicted to lead to an abnormal or absent protein product due to the creation of a premature termination codon in BBS2, a gene where loss-of-function variants are known to be pathogenic. Please note: this variant was assessed in the context of healthy population screening.

NM_031885.5(BBS2):c.491_501del (p.Asn164fs)

Gene: BBS2 (Bardet-Biedl syndrome 2; minus strand). Cytogenetic location: 16q13.
Variant type: Deletion.
Coding change: c.491_501del on transcript NM_031885.5 (MANE Select); coding-DNA positions 491 to 501, 11 bases deleted (ATTCCTTGGCC).
Protein change: p.Asn164fs; shifts the reading frame from asparagine 164.
Molecular consequence: frameshift variant. On other transcripts: non-coding transcript variant (5).
Genome position (GRCh38, 1-based): chr16:56,510,892-56,510,902, GGCCAAGGAAT deleted on the plus strand (ATTCCTTGGCC on the coding strand, the reverse complement: BBS2 is on the minus strand). VCF-style (leftmost placement, unchanged base first): chr16-56510891-AGGCCAAGGAAT-A. GRCh37 (hg19) VCF-style: chr16-56544803-AGGCCAAGGAAT-A.
Other names: c.491_501del, p.Asn164fs (NM_001377456.1); short protein forms N164fs.
Identifiers: ClinVar variation 1725669 (VCV001725669.2), dbSNP rs2543732310, ClinGen allele CA2580091640.
Genomic context (GRCh38, chr16:56,510,891, plus strand): 5'-CAAGAGAGATATCTCCTCCCCCACATACCTCTTTCTTTCCATCACCATCAAAGTCACACA[AGGCCAAGGAAT>A]TAACATTGTCTCCAGTAACCTGAAAATAAAACCCCAAACCATTAGCATGCCATCGTTTCT-3'